The following is an entry in ClinVar:

ClinVar aggregate classification (germline): Uncertain significance. Review status: criteria provided, multiple submitters, no conflicts (2 of 4 stars). 5 submissions from 2 submitters: Uncertain significance (5). Last evaluated 2024-05-22.

Conditions:
Retinitis pigmentosa (RP). Identifiers: Orphanet 791, MedGen C0035334, MeSH D012174, MONDO:0019200, OMIM 268000. Inheritance: Autosomal dominant, autosomal recessive and X linked inheritance.
Retinal macular dystrophy type 2 (MCDR2). Also called: Bull's eye macular dystrophy. Identifiers: Orphanet 319640, MedGen C4749334, MONDO:0011957, OMIM 608051.
Stargardt disease 4 (STGD4). Identifiers: Orphanet 827, MedGen C1863534, MONDO:0011370, OMIM 603786.
Cone-rod dystrophy 12 (CORD12). Identifiers: Orphanet 1872, MedGen C2675210, MONDO:0012983, OMIM 612657.

Allele frequency attached by ClinVar (database versions not stated): gnomAD 0.00001; gnomAD exomes 0.00001; TOPMed 0.00001.
gnomAD v4.1: 18 of 1,613,888 alleles (0.0011%); highest among the groups gnomAD compares: Middle Eastern, 0.016%; no homozygotes.

Submissions (5):

Labcorp Genetics (formerly Invitae), Labcorp
Classification: Uncertain significance. Last evaluated: 2024-05-22. Review status: criteria provided, single submitter. Criteria: Invitae Variant Classification Sherloc (09022015). Collection method: clinical testing. Allele origin: germline.
Comment: This sequence change replaces leucine, which is neutral and non-polar, with phenylalanine, which is neutral and non-polar, at codon 573 of the PROM1 protein (p.Leu573Phe). This variant is present in population databases (no rsID available, gnomAD 0.003%). This variant has not been reported in the literature in individuals affected with PROM1-related conditions. ClinVar contains an entry for this variant (Variation ID: 347986). Advanced modeling of protein sequence and biophysical properties (such as structural, functional, and spatial information, amino acid conservation, physicochemical variation, residue mobility, and thermodynamic stability) performed at Invitae indicates that this missense variant is not expected to disrupt PROM1 protein function with a negative predictive value of 80%. In summary, the available evidence is currently insufficient to determine the role of this variant in disease. Therefore, it has been classified as a Variant of Uncertain Significance.

Illumina Laboratory Services, Illumina
Classification: Uncertain significance for Cone-rod dystrophy 12. Last evaluated: 2018-01-12. Review status: criteria provided, single submitter. Criteria: ICSL Variant Classification Criteria 13 December 2019. Collection method: clinical testing. Allele origin: germline.

Illumina Laboratory Services, Illumina
Classification: Uncertain significance for Retinitis pigmentosa. Last evaluated: 2018-01-12. Review status: criteria provided, single submitter. Criteria: ICSL Variant Classification Criteria 13 December 2019. Collection method: clinical testing. Allele origin: germline.

Illumina Laboratory Services, Illumina
Classification: Uncertain significance for Stargardt disease 4. Last evaluated: 2018-01-12. Review status: criteria provided, single submitter. Criteria: ICSL Variant Classification Criteria 13 December 2019. Collection method: clinical testing. Allele origin: germline.

Illumina Laboratory Services, Illumina
Classification: Uncertain significance for Retinal macular dystrophy type 2. Last evaluated: 2018-01-12. Review status: criteria provided, single submitter. Criteria: ICSL Variant Classification Criteria 13 December 2019. Collection method: clinical testing. Allele origin: germline.

NM_006017.3(PROM1):c.1717C>T (p.Leu573Phe)

Gene: PROM1 (prominin 1; minus strand). Cytogenetic location: 4p15.32.
Variant type: single nucleotide variant.
Coding change: c.1717C>T on transcript NM_006017.3 (MANE Select); coding-DNA position 1717, C replaced by T.
Protein change: p.Leu573Phe; replaces leucine 573 with phenylalanine.
Molecular consequence: missense variant.
Genome position (GRCh38, 1-based): chr4:15,994,037, G>A on the plus strand (C>T on the coding strand, the complement: PROM1 is on the minus strand). VCF-style: chr4-15994037-G-A. GRCh37 (hg19) VCF-style: chr4-15995660-G-A.
Other names: c.1690C>T, p.Leu564Phe (NM_001145847.2, NM_001145848.2, NM_001145851.2 and 4 more transcripts); c.1717C>T, p.Leu573Phe (NM_001145849.2, NM_001145850.2); short protein forms L573F, L564F.
Identifiers: ClinVar variation 347986 (VCV000347986.10), dbSNP rs886059201, ClinGen allele CA10620372.